The following is an entry in ClinVar:

NM_002386.4(MC1R):c.*13C>T

Gene: MC1R (melanocortin 1 receptor; plus strand). Cytogenetic location: 16q24.3.
Variant type: single nucleotide variant.
Coding change: c.*13C>T on transcript NM_002386.4 (MANE Select); 13 bases downstream of the stop codon, C replaced by T.
Molecular consequence: 3 prime UTR variant.
Genome position (GRCh38, 1-based): chr16:89,920,225, C>T. VCF-style: chr16-89920225-C-T. GRCh37 (hg19) VCF-style: chr16-89986633-C-T.
Identifiers: ClinVar variation 885783 (VCV000885783.5), dbSNP rs373109025, ClinGen allele CA8255830.

ClinVar aggregate classification (germline): Likely benign. Review status: criteria provided, multiple submitters, no conflicts (2 of 4 stars). 2 submissions from 2 submitters: Likely benign (2). Last evaluated 2018-01-13.

Conditions:
Melanoma, cutaneous malignant, susceptibility to, 5. Also called: Cutaneous malignant melanoma 5. Identifiers: Orphanet 618, MedGen C2751295, MONDO:0013133, OMIM 613099.

Allele frequency attached by ClinVar (database versions not stated): ESP Exome Variant Server 0.00008; gnomAD exomes 0.00008; ExAC 0.00009; gnomAD 0.00012 and 0.00013; TOPMed 0.00012; 1000 Genomes Project 0.00060; 1000 Genomes Project 30x 0.00062.

Submissions (2):

Illumina Laboratory Services, Illumina
Classification: Likely benign for Melanoma, cutaneous malignant, susceptibility to, 5. Last evaluated: 2018-01-13. Review status: criteria provided, single submitter. Criteria: ICSL Variant Classification Criteria 13 December 2019. Collection method: clinical testing. Allele origin: germline.
Comment: This variant was observed in the ICSL laboratory as part of a predisposition screen in an ostensibly healthy population. It had not been previously curated by ICSL or reported in the Human Gene Mutation Database (HGMD: prior to June 1st, 2018), and was therefore a candidate for classification through an automated scoring system. Utilizing variant allele frequency, disease prevalence and penetrance estimates, and inheritance mode, an automated score was calculated to assess if this variant is too frequent to cause the disease. Based on the score and internal cut-off values, a variant classified as likely benign is not then subjected to further curation. The score for this variant resulted in a classification of likely benign for this disease.

Breakthrough Genomics
Classification: Likely benign. Review status: criteria provided, single submitter. Criteria: ACMG Guidelines, 2015. Collection method: not provided. Allele origin: germline. Inheritance: Autosomal recessive inheritance. Affected: yes.